The following is an entry in ClinVar:

NM_000090.4(COL3A1):c.39C>T (p.Leu13=)

Gene: COL3A1 (collagen type III alpha 1 chain; plus strand). Cytogenetic location: 2q32.2.
Variant type: single nucleotide variant.
Coding change: c.39C>T on transcript NM_000090.4 (MANE Select); coding-DNA position 39, C replaced by T.
Protein change: p.Leu13=; no amino-acid change (leucine 13 retained).
Molecular consequence: synonymous variant.
Genome position (GRCh38, 1-based): chr2:188,974,528, C>T. VCF-style: chr2-188974528-C-T. GRCh37 (hg19) VCF-style: chr2-189839254-C-T.
Identifiers: ClinVar variation 926616 (VCV000926616.15), dbSNP rs1343634872, ClinGen allele CA430308491.

ClinVar aggregate classification (germline): Likely benign. Review status: criteria provided, multiple submitters, no conflicts (2 of 4 stars). 4 submissions from 4 submitters: Likely benign (4). Last evaluated 2024-08-06.

Conditions:
Ehlers-Danlos syndrome, type 4 (EDSVASC). Also called: Ehlers-Danlos syndrome vascular type; Ehlers Danlos syndrome, ecchymotic type; Ehlers Danlos syndrome, arterial type; Ehlers Danlos syndrome, Sack-Barabas type; Ehlers-Danlos Syndrome Type IV. Identifiers: Orphanet 286, MedGen C0268338, MONDO:0017314, OMIM 130050.
Familial thoracic aortic aneurysm and aortic dissection (TAAD). Also called: Thoracic aortic aneurysms and dissections. Identifiers: Orphanet 91387, MedGen C4707243, MONDO:0019625.

Allele frequency attached by ClinVar (database versions not stated): gnomAD 0.00002 and 0.00003.
gnomAD v4.1: 15 of 1,613,928 alleles (0.00093%); highest among the groups gnomAD compares: African/African-American, 0.0093%; no homozygotes.

Submissions (4):

All of Us Research Program, National Institutes of Health
Classification: Likely benign for Ehlers-Danlos syndrome, type 4. Last evaluated: 2024-08-06. Review status: criteria provided, single submitter. Criteria: ACMG Guidelines, 2015. Collection method: clinical testing. Allele origin: germline. Inheritance: Autosomal dominant inheritance. Observed: 4 variant alleles, 4 heterozygotes.
Comment: This study involves interpretation of variants in research participants for the purpose of population health screening. Participant phenotype was not available at the time of variant classification. Additional details can be found in publication PMID: 35346344, PMCID: PMC8962531

Labcorp Genetics (formerly Invitae), Labcorp
Classification: Likely benign for Ehlers-Danlos syndrome, type 4. Last evaluated: 2024-04-15. Review status: criteria provided, single submitter. Criteria: Invitae Variant Classification Sherloc (09022015). Collection method: clinical testing. Allele origin: germline.

Ambry Genetics
Classification: Likely benign for Familial thoracic aortic aneurysm and aortic dissection. Last evaluated: 2022-03-23. Review status: criteria provided, single submitter. Criteria: Ambry Variant Classification Scheme 2023. Collection method: clinical testing. Allele origin: germline.

Color Diagnostics, LLC DBA Color Health
Classification: Likely benign for Familial thoracic aortic aneurysm and aortic dissection. Last evaluated: 2019-08-14. Review status: criteria provided, single submitter. Criteria: ACMG Guidelines, 2015. Collection method: clinical testing. Allele origin: germline.